The following is an entry in ClinVar:

ClinVar aggregate classification (germline): Uncertain significance. Review status: criteria provided, multiple submitters, no conflicts (2 of 4 stars). 2 submissions from 2 submitters: Uncertain significance (2). Last evaluated 2024-08-26.

Allele frequency attached by ClinVar (database versions not stated): TOPMed below 0.00001; gnomAD 0.00001; ExAC 0.00002; ESP Exome Variant Server 0.00008.
gnomAD v4.1: 13 of 1,613,984 alleles (0.00081%); highest among the groups gnomAD compares: East Asian, 0.0022%; no homozygotes.

Submissions (2):

Blueprint Genetics
Classification: Uncertain significance. Last evaluated: 2024-08-26. Review status: criteria provided, single submitter. Criteria: ACMG Guidelines, 2015. Collection method: clinical testing. Allele origin: germline.

Labcorp Genetics (formerly Invitae), Labcorp
Classification: Uncertain significance. Last evaluated: 2024-06-04. Review status: criteria provided, single submitter. Criteria: Invitae Variant Classification Sherloc (09022015). Collection method: clinical testing. Allele origin: germline.
Comment: This sequence change replaces histidine, which is basic and polar, with arginine, which is basic and polar, at codon 216 of the POLG2 protein (p.His216Arg). This variant is present in population databases (rs146699284, gnomAD 0.003%). This variant has not been reported in the literature in individuals affected with POLG2-related conditions. Algorithms developed to predict the effect of missense changes on protein structure and function output the following: SIFT: "Not Available"; PolyPhen-2: "Benign"; Align-GVGD: "Not Available". The arginine amino acid residue is found in multiple mammalian species, which suggests that this missense change does not adversely affect protein function. In summary, the available evidence is currently insufficient to determine the role of this variant in disease. Therefore, it has been classified as a Variant of Uncertain Significance.

NM_007215.4(POLG2):c.647A>G (p.His216Arg)

Genes: MILR1 (mast cell immunoglobulin like receptor 1; plus strand), POLG2 (DNA polymerase gamma 2, accessory subunit; minus strand). Cytogenetic location: 17q23.3.
Variant type: single nucleotide variant.
Coding change: c.647A>G on transcript NM_007215.4 (MANE Select); coding-DNA position 647, A replaced by G.
Protein change: p.His216Arg; replaces histidine 216 with arginine.
Molecular consequence: missense variant.
Genome position (GRCh38, 1-based): chr17:64,492,937, T>C on the plus strand (A>G on the coding strand, the complement: POLG2 is on the minus strand). VCF-style: chr17-64492937-T-C. GRCh37 (hg19) VCF-style: chr17-62489054-T-C.
Other names: short protein forms H216R.
Identifiers: ClinVar variation 2795114 (VCV002795114.4), dbSNP rs146699284, ClinGen allele CA8712962.